The following is an entry in ClinVar:

NM_006206.6(PDGFRA):c.1364A>T (p.Lys455Ile)

Gene: PDGFRA (platelet derived growth factor receptor alpha; plus strand). Cytogenetic location: 4q12.
Variant type: single nucleotide variant.
Coding change: c.1364A>T on transcript NM_006206.6 (MANE Select); coding-DNA position 1364, A replaced by T.
Protein change: p.Lys455Ile; replaces lysine 455 with isoleucine.
Molecular consequence: missense variant.
Genome position (GRCh38, 1-based): chr4:54,272,520, A>T. VCF-style: chr4-54272520-A-T. GRCh37 (hg19) VCF-style: chr4-55138687-A-T.
Other names: c.1364A>T, p.Lys455Ile (NM_001347827.2, NM_001347829.2); c.1439A>T, p.Lys480Ile (NM_001347828.2); c.1403A>T, p.Lys468Ile (NM_001347830.2); short protein forms K480I, K455I, K468I.
Identifiers: ClinVar variation 1041802 (VCV001041802.11), dbSNP rs1553904049, ClinGen allele CA356892399.

ClinVar aggregate classification (germline): Uncertain significance. Review status: criteria provided, multiple submitters, no conflicts (2 of 4 stars). 2 submissions from 2 submitters: Uncertain significance (2). Last evaluated 2023-10-17.

Conditions:
Hereditary cancer-predisposing syndrome. Also called: Tumor predisposition; Neoplastic Syndromes, Hereditary; Hereditary neoplastic syndrome; Hereditary Cancer Syndrome. Identifiers: Orphanet 140162, MedGen C0027672, MeSH D009386, MONDO:0015356.
Gastrointestinal stromal tumor. Also called: Gastrointestinal stromal tumor, somatic; Gastrointestinal stroma tumor. Identifiers: Orphanet 44890, MedGen C0238198, MeSH D046152, MONDO:0011719, OMIM 606764, HP:0100723.

Allele frequency attached by ClinVar (database versions not stated): gnomAD exomes below 0.00001.
gnomAD v4.1: 2 of 1,613,802 alleles (0.00012%); highest among the groups gnomAD compares: Non-Finnish European, 0.000085%; no homozygotes.

Submissions (2):

Labcorp Genetics (formerly Invitae), Labcorp
Classification: Uncertain significance for Gastrointestinal stromal tumor. Last evaluated: 2023-10-17. Review status: criteria provided, single submitter. Criteria: Invitae Variant Classification Sherloc (09022015). Collection method: clinical testing. Allele origin: germline.
Comment: This sequence change replaces lysine, which is basic and polar, with isoleucine, which is neutral and non-polar, at codon 455 of the PDGFRA protein (p.Lys455Ile). This variant is not present in population databases (gnomAD no frequency). This variant has not been reported in the literature in individuals affected with PDGFRA-related conditions. ClinVar contains an entry for this variant (Variation ID: 1041802). An algorithm developed to predict the effect of missense changes on protein structure and function (PolyPhen-2) suggests that this variant is likely to be tolerated. Algorithms developed to predict the effect of sequence changes on RNA splicing suggest that this variant may disrupt the consensus splice site. In summary, the available evidence is currently insufficient to determine the role of this variant in disease. Therefore, it has been classified as a Variant of Uncertain Significance.

Ambry Genetics
Classification: Uncertain significance for Hereditary cancer-predisposing syndrome. Last evaluated: 2022-01-12. Review status: criteria provided, single submitter. Criteria: Ambry Variant Classification Scheme 2023. Collection method: clinical testing. Allele origin: germline.
Comment: The c.1364A>T variant (also known as p.K455I), located in coding exon 8 of the PDGFRA gene, results from an A to T substitution at nucleotide position 1364. The amino acid change results in lysine to isoleucine at codon 455, an amino acid with dissimilar properties. However, this change occurs in the last base pair of coding exon 8, which makes it likely to have some effect on normal mRNA splicing. This amino acid position is well conserved in available vertebrate species. In addition, the in silico prediction for this alteration is inconclusive. Since supporting evidence is limited at this time, the clinical significance of this alteration remains unclear.